The following is an entry in ClinVar:

ClinVar aggregate classification (germline): Pathogenic. Review status: no assertion criteria provided (0 of 4 stars). 2 submissions from 2 submitters: Pathogenic (2). Last evaluated 2012-10-11.

Conditions:
Hermansky-Pudlak syndrome 3 (HPS3). Identifiers: Orphanet 231512, Orphanet 79430, MedGen C3888001, MONDO:0013555, OMIM 614072.

Submissions (2):

GeneReviews
Classification: Pathogenic for Hermansky-Pudlak Syndrome. Last evaluated: 2012-10-11. Review status: no assertion criteria provided. Collection method: curation. Allele origin: unknown.
ClinVar note: Converted during submission from pathologic to Pathogenic.

OMIM
Classification: Pathogenic for HERMANSKY-PUDLAK SYNDROME 3. Last evaluated: 2001-11-01. Review status: no assertion criteria provided. Collection method: literature only. Allele origin: germline.

Literature cited by the submitters: PubMed 11455388 (cited by OMIM); PubMed 11590544 (cited by OMIM).

NC_000003.12:g.149126714_149130632del

Gene: HPS3 (HPS3 biogenesis of lysosomal organelles complex 2 subunit 1; plus strand). Cytogenetic location: 3q24.
Variant type: Deletion.
Genome position: GRCh38: chr3:149,126,714-149,130,632. GRCh37 (hg19): chr3:148,844,501-148,848,419.
Other names: AF375663.1:g.339_4260del3904.
Identifiers: ClinVar variation 4608 (VCV000004608.3), ClinGen allele CA340268.